The following is an entry in ClinVar:

NM_022552.5(DNMT3A):c.2606G>C (p.Gly869Ala)

Gene: DNMT3A (DNA methyltransferase 3 alpha; minus strand). Cytogenetic location: 2p23.3.
Variant type: single nucleotide variant.
Coding change: c.2606G>C on transcript NM_022552.5 (MANE Select); coding-DNA position 2606, G replaced by C.
Protein change: p.Gly869Ala; replaces glycine 869 with alanine.
Molecular consequence: missense variant. On other transcripts: non-coding transcript variant (1).
Genome position (GRCh38, 1-based): chr2:25,234,412, C>G on the plus strand (G>C on the coding strand, the complement: DNMT3A is on the minus strand). VCF-style: chr2-25234412-C-G. GRCh37 (hg19) VCF-style: chr2-25457281-C-G.
Other names: c.2150G>C, p.Gly717Ala (NM_001320893.1); c.1937G>C, p.Gly646Ala (NM_001375819.1); c.2039G>C, p.Gly680Ala (NM_153759.3); c.2606G>C, p.Gly869Ala (NM_175629.2); short protein forms G869A, G680A, G646A, G717A.
Identifiers: ClinVar variation 3273244 (VCV003273244.1).
Genomic context (GRCh38, chr2:25,234,412, plus strand): 5'-AGCAGTCTCTGCCTCGCCAAGCGGCTCATGTTGGAGACGTCAGTATAGTGGACTGGGAAA[C>G]CAAATACCCTGGGGGAGAAAAGGCAGAGAGGGCAGGGTGAGTGCTGGCCAGACCAGGCTG-3'
Protein context (NP_072046.2, residues 859-879): LWCTEMERVF[Gly869Ala]FPVHYTDVSN

ClinVar aggregate classification (germline): Likely pathogenic (1 of 4 stars; one submission).

Conditions:
Inborn genetic diseases. Identifiers: MedGen C0950123, MeSH D030342.

Submission:

Ambry Genetics
Classification: Likely pathogenic for Inborn genetic diseases. Last evaluated: 2024-03-18. Review status: criteria provided, single submitter. Criteria: Ambry Variant Classification Scheme 2023. Collection method: clinical testing. Allele origin: germline.
Comment: The c.2606G>C (p.G869A) alteration is located in exon 23 (coding exon 22) of the DNMT3A gene. This alteration results from a G to C substitution at nucleotide position 2606, causing the glycine (G) at amino acid position 869 to be replaced by an alanine (A). for Tatton-Brown-Rahman syndrome; however, its clinical significance for Heyn-Sproul-Jackson syndrome is uncertain. This variant was not reported in population-based cohorts in the Genome Aggregation Database (gnomAD). This amino acid position is highly conserved in available vertebrate species. This alteration is predicted to be deleterious by in silico analysis. Based on the available evidence, this alteration is classified as likely pathogenic.